The following is an entry in ClinVar:

NM_014797.3(ZBTB24):c.1753A>T (p.Thr585Ser)

Gene: ZBTB24 (zinc finger and BTB domain containing 24; minus strand). Cytogenetic location: 6q21.
Variant type: single nucleotide variant.
Coding change: c.1753A>T on transcript NM_014797.3 (MANE Select); coding-DNA position 1753, A replaced by T.
Protein change: p.Thr585Ser; replaces threonine 585 with serine.
Molecular consequence: missense variant.
Genome position (GRCh38, 1-based): chr6:109,466,192, T>A on the plus strand (A>T on the coding strand, the complement: ZBTB24 is on the minus strand). VCF-style: chr6-109466192-T-A. GRCh37 (hg19) VCF-style: chr6-109787395-T-A.
Other names: short protein forms T585S.
Identifiers: ClinVar variation 936713 (VCV000936713.8), dbSNP rs1776035641, ClinGen allele CA365195491.

ClinVar aggregate classification (germline): Uncertain significance (1 of 4 stars; one submission).

Conditions:
Immunodeficiency-centromeric instability-facial anomalies syndrome 2 (ICF2). Identifiers: Orphanet 2268, MedGen C3279748, MONDO:0013553, OMIM 614069.

Submission:

Labcorp Genetics (formerly Invitae), Labcorp
Classification: Uncertain significance for Immunodeficiency-centromeric instability-facial anomalies syndrome 2. Last evaluated: 2019-09-24. Review status: criteria provided, single submitter. Criteria: Invitae Variant Classification Sherloc (09022015). Collection method: clinical testing. Allele origin: germline.
Comment: In summary, the available evidence is currently insufficient to determine the role of this variant in disease. Therefore, it has been classified as a Variant of Uncertain Significance. Algorithms developed to predict the effect of missense changes on protein structure and function output the following: SIFT: "Tolerated"; PolyPhen-2: "Benign"; Align-GVGD: "Class C0". The serine amino acid residue is found in multiple mammalian species, suggesting that this missense change does not adversely affect protein function. These predictions have not been confirmed by published functional studies and their clinical significance is uncertain. This variant has not been reported in the literature in individuals with ZBTB24-related conditions. This variant is not present in population databases (ExAC no frequency). This sequence change replaces threonine with serine at codon 585 of the ZBTB24 protein (p.Thr585Ser). The threonine residue is moderately conserved and there is a small physicochemical difference between threonine and serine.